The following is an entry in ClinVar:

NM_006206.6(PDGFRA):c.1715A>G (p.Tyr572Cys)

Gene: PDGFRA (platelet derived growth factor receptor alpha; plus strand). Cytogenetic location: 4q12.
Variant type: single nucleotide variant.
Coding change: c.1715A>G on transcript NM_006206.6 (MANE Select); coding-DNA position 1715, A replaced by G.
Protein change: p.Tyr572Cys; replaces tyrosine 572 with cysteine.
Molecular consequence: missense variant.
Genome position (GRCh38, 1-based): chr4:54,274,902, A>G. VCF-style: chr4-54274902-A-G. GRCh37 (hg19) VCF-style: chr4-55141069-A-G.
Other names: c.1715A>G, p.Tyr572Cys (NM_001347827.2, NM_001347829.2); c.1790A>G, p.Tyr597Cys (NM_001347828.2); c.1754A>G, p.Tyr585Cys (NM_001347830.2); short protein forms Y572C, Y585C, Y597C.
Identifiers: ClinVar variation 4799081 (VCV004799081.1).
Genomic context (GRCh38, chr4:54,274,902, plus strand): 5'-AACCGAGGTATGAAATTCGCTGGAGGGTCATTGAATCAATCAGCCCAGATGGACATGAAT[A>G]TATTTATGTGGACCCGATGCAGCTGCCTTATGACTCAAGATGGGAGTTTCCAAGAGATGG-3'
Protein context (NP_006197.1, residues 562-582): IESISPDGHE[Tyr572Cys]IYVDPMQLPY

ClinVar aggregate classification (germline): Uncertain significance (1 of 4 stars; one submission).

Conditions:
Gastrointestinal stromal tumor. Also called: Gastrointestinal stroma tumor; Gastrointestinal stromal tumor, somatic. Identifiers: Orphanet 44890, MedGen C0238198, MeSH D046152, MONDO:0011719, OMIM 606764, HP:0100723.

gnomAD v4.1: 1 of 1,614,042 alleles (0.000062%); highest among the groups gnomAD compares: Non-Finnish European, 0.000085%; no homozygotes.

Submission:

Labcorp Genetics (formerly Invitae), Labcorp
Classification: Uncertain significance for Gastrointestinal stromal tumor. Last evaluated: 2025-08-15. Review status: criteria provided, single submitter. Criteria: Invitae Variant Classification Sherloc (09022015). Collection method: clinical testing. Allele origin: germline.
Comment: This sequence change replaces tyrosine, which is neutral and polar, with cysteine, which is neutral and slightly polar, at codon 572 of the PDGFRA protein (p.Tyr572Cys). This variant is not present in population databases (gnomAD no frequency). This variant has not been reported in the literature in individuals affected with PDGFRA-related conditions. Invitae Evidence Modeling of protein sequence and biophysical properties (such as structural, functional, and spatial information, amino acid conservation, physicochemical variation, residue mobility, and thermodynamic stability) has been performed for this missense variant. However, the output from this modeling did not meet the statistical confidence thresholds required to predict the impact of this variant on PDGFRA protein function. In summary, the available evidence is currently insufficient to determine the role of this variant in disease. Therefore, it has been classified as a Variant of Uncertain Significance.